The following is an entry in ClinVar:

NM_000075.4(CDK4):c.907G>A (p.Glu303Lys)

Genes: CDK4 (cyclin dependent kinase 4; minus strand), TSPAN31 (tetraspanin 31; plus strand). Cytogenetic location: 12q14.1.
Variant type: single nucleotide variant.
Coding change: c.907G>A on transcript NM_000075.4 (MANE Select); coding-DNA position 907, G replaced by A.
Protein change: p.Glu303Lys; replaces glutamic acid 303 with lysine.
Molecular consequence: missense variant. On other transcripts: 3 prime UTR variant (3).
Genome position (GRCh38, 1-based): chr12:57,748,530, C>T on the plus strand (G>A on the coding strand, the complement: CDK4 is on the minus strand). VCF-style: chr12-57748530-C-T. GRCh37 (hg19) VCF-style: chr12-58142313-C-T.
Other names: c.*1240C>T (NM_001330168.2, NM_001330169.2, NM_005981.5); short protein forms E303K.
Identifiers: ClinVar variation 1042239 (VCV001042239.8), dbSNP rs1253318687, ClinGen allele CA385542133.

ClinVar aggregate classification (germline): Uncertain significance (1 of 4 stars; one submission).

Conditions:
Familial melanoma. Also called: Hereditary melanoma; Hereditary cutaneous melanoma. Identifiers: Orphanet 618, MedGen C1512419, MONDO:0018961.

Allele frequency attached by ClinVar (database versions not stated): gnomAD exomes below 0.00001.

Submission:

Labcorp Genetics (formerly Invitae), Labcorp
Classification: Uncertain significance for Familial melanoma. Last evaluated: 2020-03-22. Review status: criteria provided, single submitter. Criteria: Invitae Variant Classification Sherloc (09022015). Collection method: clinical testing. Allele origin: germline.
Comment: In summary, the available evidence is currently insufficient to determine the role of this variant in disease. Therefore, it has been classified as a Variant of Uncertain Significance. Algorithms developed to predict the effect of missense changes on protein structure and function (SIFT, PolyPhen-2, Align-GVGD) all suggest that this variant is likely to be tolerated, but these predictions have not been confirmed by published functional studies and their clinical significance is uncertain. This variant has not been reported in the literature in individuals with CDK4-related conditions. This variant is not present in population databases (ExAC no frequency). This sequence change replaces glutamic acid with lysine at codon 303 of the CDK4 protein (p.Glu303Lys). The glutamic acid residue is moderately conserved and there is a small physicochemical difference between glutamic acid and lysine.